The following is an entry in ClinVar:

ClinVar aggregate classification (germline): Uncertain significance (1 of 4 stars; one submission).

Submission:

Labcorp Genetics (formerly Invitae), Labcorp
Classification: Uncertain significance. Last evaluated: 2023-08-04. Review status: criteria provided, single submitter. Criteria: Invitae Variant Classification Sherloc (09022015). Collection method: clinical testing. Allele origin: germline.
Comment: This sequence change falls in intron 3 of the TAF2 gene. It does not directly change the encoded amino acid sequence of the TAF2 protein. It affects a nucleotide within the consensus splice site. This variant is not present in population databases (gnomAD no frequency). This variant has not been reported in the literature in individuals affected with TAF2-related conditions. In summary, the available evidence is currently insufficient to determine the role of this variant in disease. Therefore, it has been classified as a Variant of Uncertain Significance. ClinVar contains an entry for this variant (Variation ID: 1500422). Variants that disrupt the consensus splice site are a relatively common cause of aberrant splicing (PMID: 17576681, 9536098). Algorithms developed to predict the effect of sequence changes on RNA splicing suggest that this variant is not likely to affect RNA splicing.

Literature cited by the submitters: PubMed 17576681; PubMed 9536098.

NM_003184.4(TAF2):c.299+2dup

Gene: TAF2 (TATA-box binding protein associated factor 2; minus strand). Cytogenetic location: 8q24.12.
Variant type: Duplication.
Coding change: c.299+2dup on transcript NM_003184.4 (MANE Select); the canonical splice donor site of the intron after coding-DNA position 299, one base duplicated (T; older notation c.299+2dupT).
Molecular consequence: splice donor variant.
Genome position (GRCh38, 1-based): chr8:119,819,344, A duplicated on the plus strand (T on the coding strand, the reverse complement: TAF2 is on the minus strand). VCF-style (leftmost placement, unchanged base first): chr8-119819343-T-TA. GRCh37 (hg19) VCF-style: chr8-120831583-T-TA.
Identifiers: ClinVar variation 1500422 (VCV001500422.6), dbSNP rs2131255734, ClinGen allele CA2573142805.
Genomic context (GRCh38, chr8:119,819,343, plus strand): 5'-CAATCATTAAAAACATTTTTTCAAAACTGTTAAAAATAGTGACTTTTAAAGTGCATAACT[T>TA]ACTGTTTTGATTCACTGTGACAAACTTCCAAGGTTGGGTCATTATAAATAAAAGCAGCCT-3'